The following is an entry in ClinVar:

ClinVar aggregate classification (germline): Uncertain significance (1 of 4 stars; one submission).

Submission:

Labcorp Genetics (formerly Invitae), Labcorp
Classification: Uncertain significance. Last evaluated: 2025-11-27. Review status: criteria provided, single submitter. Criteria: Invitae Variant Classification Sherloc (09022015). Collection method: clinical testing. Allele origin: germline.
Comment: This sequence change replaces aspartic acid, which is acidic and polar, with glycine, which is neutral and non-polar, at codon 538 of the TFRC protein (p.Asp538Gly). This variant is not present in population databases (gnomAD no frequency). This variant has not been reported in the literature in individuals affected with TFRC-related conditions. Invitae Evidence Modeling of protein sequence and biophysical properties (such as structural, functional, and spatial information, amino acid conservation, physicochemical variation, residue mobility, and thermodynamic stability) indicates that this missense variant is not expected to disrupt TFRC protein function with a negative predictive value of 80%. In summary, the available evidence is currently insufficient to determine the role of this variant in disease. Therefore, it has been classified as a Variant of Uncertain Significance.

NM_001128148.3(TFRC):c.1613A>G (p.Asp538Gly)

Gene: TFRC (transferrin receptor; minus strand). Cytogenetic location: 3q29.
Variant type: single nucleotide variant.
Coding change: c.1613A>G on transcript NM_001128148.3 (MANE Select); coding-DNA position 1613, A replaced by G.
Protein change: p.Asp538Gly; replaces aspartic acid 538 with glycine.
Molecular consequence: missense variant.
Genome position (GRCh38, 1-based): chr3:196,058,348, T>C on the plus strand (A>G on the coding strand, the complement: TFRC is on the minus strand). VCF-style: chr3-196058348-T-C. GRCh37 (hg19) VCF-style: chr3-195785219-T-C.
Other names: c.1370A>G, p.Asp457Gly (NM_001313965.2); c.767A>G, p.Asp256Gly (NM_001313966.2); c.1613A>G, p.Asp538Gly (NM_003234.4); short protein forms D256G, D538G, D457G.
Identifiers: ClinVar variation 4740909 (VCV004740909.1).